The following is an entry in ClinVar:

NM_201384.3(PLEC):c.2036G>A (p.Gly679Glu)

Gene: PLEC (plectin; minus strand). Cytogenetic location: 8q24.3.
Variant type: single nucleotide variant.
Coding change: c.2036G>A on transcript NM_201384.3 (MANE Select); coding-DNA position 2036, G replaced by A.
Protein change: p.Gly679Glu; replaces glycine 679 with glutamic acid.
Molecular consequence: missense variant.
Genome position (GRCh38, 1-based): chr8:143,932,176, C>T on the plus strand (G>A on the coding strand, the complement: PLEC is on the minus strand). VCF-style: chr8-143932176-C-T. GRCh37 (hg19) VCF-style: chr8-145006344-C-T.
Other names: c.2117G>A, p.Gly706Glu (NM_000445.5); c.1994G>A, p.Gly665Glu (NM_201378.4); c.1970G>A, p.Gly657Glu (NM_201379.3); c.2447G>A, p.Gly816Glu (NM_201380.4); c.1940G>A, p.Gly647Glu (NM_201381.3); c.2036G>A, p.Gly679Glu (NM_201382.4); c.2048G>A, p.Gly683Glu (NM_201383.3); short protein forms G665E, G679E, G683E, G706E, G647E, G657E, G816E.
Identifiers: ClinVar variation 1347222 (VCV001347222.10), dbSNP rs1345254413, ClinGen allele CA372577402.

ClinVar aggregate classification (germline): Uncertain significance. Review status: criteria provided, multiple submitters, no conflicts (2 of 4 stars). 2 submissions from 2 submitters: Uncertain significance (2). Last evaluated 2024-12-15.

Conditions:
Epidermolysis bullosa simplex 5B, with muscular dystrophy (EBS5B). Also called: EPIDERMOLYSIS BULLOSA SIMPLEX AND LIMB-GIRDLE MUSCULAR DYSTROPHY; Epidermolysis bullosa simplex with muscular dystrophy. Identifiers: Orphanet 257, MedGen C2931072, MONDO:0009181, OMIM 226670.
Epidermolysis bullosa simplex with nail dystrophy (EBS5D). Identifiers: MedGen C4225309, MONDO:0014661, OMIM 616487.
Autosomal recessive limb-girdle muscular dystrophy type 2Q (LGMDR17). Also called: MUSCULAR DYSTROPHY, LIMB-GIRDLE, AUTOSOMAL RECESSIVE 17. Identifiers: Orphanet 254361, MedGen C3150989, MONDO:0013390, OMIM 613723.
Epidermolysis bullosa simplex, Ogna type (EBS5A). Also called: Pidermolysis bullosa simplex 5A, Ogna type; EPIDERMOLYSIS BULLOSA SIMPLEX 5A, OGNA TYPE. Identifiers: Orphanet 79401, MedGen C0432317, MONDO:0007555, OMIM 131950.
Epidermolysis bullosa simplex 5C, with pyloric atresia (EBS5C). Also called: PLEC-Related Epidermolysis Bullosa with Pyloric Atresia; Epidermolysis bullosa simplex with pyloric atresia; PLEC1-Related Epidermolysis Bullosa with Pyloric Atresia. Identifiers: Orphanet 158684, MedGen C2677349, MONDO:0012807, OMIM 612138.

Allele frequency attached by ClinVar (database versions not stated): TOPMed below 0.00001.

Submissions (2):

Dasa
Classification: Uncertain significance. Last evaluated: 2024-12-15. Review status: criteria provided, single submitter. Criteria: DASA Assertion Criteria. Collection method: clinical testing. Allele origin: germline.
Comment: NM_201384.3(PLEC):c.2036G>A (p.Gly679Glu) is a missense variant that results in the substitution of glycine with glutamic acid. This variant is rare in population databases. Computational prediction algorithms are consistent with a deleterious effect. The currently available literature and clinical evidence are not sufficient to establish a definitive association between this variant and the reported condition. Therefore, this variant is classified as a variant of uncertain significance.

Labcorp Genetics (formerly Invitae), Labcorp
Classification: Uncertain significance for Autosomal recessive limb-girdle muscular dystrophy type 2Q; Epidermolysis bullosa simplex, Ogna type; Epidermolysis bullosa simplex with nail dystrophy; Epidermolysis bullosa simplex 5C, with pyloric atresia; Epidermolysis bullosa simplex 5B, with muscular dystrophy. Last evaluated: 2023-11-27. Review status: criteria provided, single submitter. Criteria: Invitae Variant Classification Sherloc (09022015). Collection method: clinical testing. Allele origin: germline.
Comment: This sequence change replaces glycine, which is neutral and non-polar, with glutamic acid, which is acidic and polar, at codon 706 of the PLEC protein (p.Gly706Glu). This variant is not present in population databases (gnomAD no frequency). This variant has not been reported in the literature in individuals affected with PLEC-related conditions. ClinVar contains an entry for this variant (Variation ID: 1347222). Advanced modeling of protein sequence and biophysical properties (such as structural, functional, and spatial information, amino acid conservation, physicochemical variation, residue mobility, and thermodynamic stability) has been performed at Invitae for this missense variant, however the output from this modeling did not meet the statistical confidence thresholds required to predict the impact of this variant on PLEC protein function. In summary, the available evidence is currently insufficient to determine the role of this variant in disease. Therefore, it has been classified as a Variant of Uncertain Significance.